The following is an entry in ClinVar:

ClinVar aggregate classification (germline): Uncertain significance (1 of 4 stars; one submission).

Conditions:
Nephronophthisis 14 (NPHP14). Identifiers: Orphanet 2318, MedGen C3539071, MONDO:0013916, OMIM 614844.

Allele frequency attached by ClinVar (database versions not stated): gnomAD 0.00001; TOPMed 0.00001.
gnomAD v4.1: 1 of 1,613,284 alleles (0.000062%); highest among the groups gnomAD compares: Non-Finnish European, 0.000085%; no homozygotes.

Submission:

Labcorp Genetics (formerly Invitae), Labcorp
Classification: Uncertain significance for Nephronophthisis 14. Last evaluated: 2023-12-06. Review status: criteria provided, single submitter. Criteria: Invitae Variant Classification Sherloc (09022015). Collection method: clinical testing. Allele origin: germline.
Comment: This sequence change replaces lysine, which is basic and polar, with arginine, which is basic and polar, at codon 983 of the ZNF423 protein (p.Lys983Arg). This variant is not present in population databases (gnomAD no frequency). This variant has not been reported in the literature in individuals affected with ZNF423-related conditions. ClinVar contains an entry for this variant (Variation ID: 2054953). Advanced modeling of protein sequence and biophysical properties (such as structural, functional, and spatial information, amino acid conservation, physicochemical variation, residue mobility, and thermodynamic stability) performed at Invitae indicates that this missense variant is not expected to disrupt ZNF423 protein function with a negative predictive value of 80%. In summary, the available evidence is currently insufficient to determine the role of this variant in disease. Therefore, it has been classified as a Variant of Uncertain Significance.

NM_001379286.1(ZNF423):c.2972A>G (p.Lys991Arg)

Gene: ZNF423 (zinc finger protein 423; minus strand). Cytogenetic location: 16q12.1.
Variant type: single nucleotide variant.
Coding change: c.2972A>G on transcript NM_001379286.1 (MANE Select); coding-DNA position 2972, A replaced by G.
Protein change: p.Lys991Arg; replaces lysine 991 with arginine.
Molecular consequence: missense variant.
Genome position (GRCh38, 1-based): chr16:49,636,204, T>C on the plus strand (A>G on the coding strand, the complement: ZNF423 is on the minus strand). VCF-style: chr16-49636204-T-C. GRCh37 (hg19) VCF-style: chr16-49670115-T-C.
Other names: c.2768A>G, p.Lys923Arg (NM_001271620.2); c.2597A>G, p.Lys866Arg (NM_001330533.2); c.2948A>G, p.Lys983Arg (NM_015069.5); short protein forms K866R, K923R, K983R, K991R.
Identifiers: ClinVar variation 2054953 (VCV002054953.4), dbSNP rs1350946839, ClinGen allele CA395840982.
Genomic context (GRCh38, chr16:49,636,204, plus strand): 5'-AACTCCTCCTCGCTCTGCAGGGGCATCTTGCAGATGCGACAGGTGCCCGTGTCCAGGCTC[T>C]TGCTGTGGGTCACCTTGTGTTCGGTGAGCGTCAGCAGCGAAGGGAAGCGCTCACCACAGA-3'
Protein context (NP_001366215.1, residues 981-1001): TLTEHKVTHS[Lys991Arg]SLDTGTCRIC